The following is an entry in ClinVar:

NM_001166114.2(PNPLA6):c.3925del (p.Asp1309fs)

Gene: PNPLA6 (patatin like domain 6, lysophospholipase; plus strand). Cytogenetic location: 19p13.2.
Variant type: Deletion.
Coding change: c.3925del on transcript NM_001166114.2 (MANE Select); coding-DNA position 3925, one base deleted (G; older notation c.3925delG).
Protein change: p.Asp1309fs; shifts the reading frame from aspartic acid 1309.
Molecular consequence: frameshift variant.
Genome position (GRCh38, 1-based): chr19:7,561,219, G deleted. VCF-style (leftmost placement, unchanged base first): chr19-7561218-AG-A. GRCh37 (hg19) VCF-style: chr19-7626104-AG-A.
Other names: c.3955del, p.Asp1319fs (NM_001166111.2); c.3730del, p.Asp1244fs (NM_001166112.2); c.3811del, p.Asp1271fs (NM_001166113.1, NM_006702.5); short protein forms D1271fs, D1319fs, D1244fs, D1309fs.
Identifiers: ClinVar variation 409950 (VCV000409950.6), dbSNP rs1060502664, ClinGen allele CA16616452.
Genomic context (GRCh38, chr19:7,561,218, plus strand): 5'-TGGCAGGCCAGCCCCAATCCCCTCACCTGTGCCCTGCTCCCCGATTCCAGGAGAGGAGTC[AG>A]ATTGTCTGACAGAGTATGAGGAGGACGCCGGACCCGACTGCTCGAGGGATGAAGGGGGGT-3'

ClinVar aggregate classification (germline): Pathogenic (1 of 4 stars; one submission).

Conditions:
Hereditary spastic paraplegia 39 (SPG39). Also called: SPASTIC PARAPLEGIA 39, AUTOSOMAL RECESSIVE; Spastic Paraplegia Type 39 (SPG39). Identifiers: Orphanet 139480, MedGen C2677586, MONDO:0012787, OMIM 612020.

Submission:

Labcorp Genetics (formerly Invitae), Labcorp
Classification: Pathogenic for Hereditary spastic paraplegia 39. Last evaluated: 2017-04-01. Review status: criteria provided, single submitter. Criteria: Invitae Variant Classification Sherloc (09022015). Collection method: clinical testing. Allele origin: germline.
Comment: For these reasons, this variant has been classified as Pathogenic. While this particular variant has not been reported in the literature, loss-of-function variants in PNPLA6 are known to be pathogenic (PMID: 24355708). This sequence change deletes 1 nucleotide from exon 34 of the PNPLA6 mRNA (c.3811delG), causing a frameshift at codon 1271. This creates a premature translational stop signal (p.Asp1271Ilefs*3) and is expected to result in an absent or disrupted protein product.

Literature cited by the submitters: PubMed 24355708.